The following is an entry in ClinVar:

ClinVar aggregate classification (germline): Uncertain significance. Review status: criteria provided, multiple submitters, no conflicts (2 of 4 stars). 2 submissions from 2 submitters: Uncertain significance (2). Last evaluated 2024-07-30.

Conditions:
Long QT syndrome (LQTS). Identifiers: MedGen C0023976, MeSH D008133, MONDO:0002442. Disease mechanism: loss of function. Inheritance: Various modes of inheritance.
Cardiovascular phenotype. Identifiers: MedGen CN230736.

Allele frequency attached by ClinVar (database versions not stated): gnomAD 0.00001; gnomAD exomes 0.00001; TOPMed 0.00001.
gnomAD v4.1: 10 of 1,614,036 alleles (0.00062%); highest among the groups gnomAD compares: Admixed American, 0.0017%; no homozygotes.

Submissions (2):

Ambry Genetics
Classification: Uncertain significance for Cardiovascular phenotype. Last evaluated: 2024-07-30. Review status: criteria provided, single submitter. Criteria: Ambry Variant Classification Scheme 2023. Collection method: clinical testing. Allele origin: germline.

Labcorp Genetics (formerly Invitae), Labcorp
Classification: Uncertain significance for Long QT syndrome. Last evaluated: 2023-07-25. Review status: criteria provided, single submitter. Criteria: Invitae Variant Classification Sherloc (09022015). Collection method: clinical testing. Allele origin: germline.
Comment: This variant has not been reported in the literature in individuals affected with AKAP9-related conditions. In summary, the available evidence is currently insufficient to determine the role of this variant in disease. Therefore, it has been classified as a Variant of Uncertain Significance. An algorithm developed to predict the effect of missense changes on protein structure and function (PolyPhen-2) suggests that this variant is likely to be disruptive. This variant is not present in population databases (gnomAD no frequency). This sequence change replaces glutamic acid, which is acidic and polar, with lysine, which is basic and polar, at codon 3342 of the AKAP9 protein (p.Glu3342Lys).

NM_005751.5(AKAP9):c.10024G>A (p.Glu3342Lys)

Gene: AKAP9 (A-kinase anchoring protein 9; plus strand). Cytogenetic location: 7q21.2.
Variant type: single nucleotide variant.
Coding change: c.10024G>A on transcript NM_005751.5 (MANE Select); coding-DNA position 10024, G replaced by A.
Protein change: p.Glu3342Lys; replaces glutamic acid 3342 with lysine.
Molecular consequence: missense variant.
Genome position (GRCh38, 1-based): chr7:92,096,983, G>A. VCF-style: chr7-92096983-G-A. GRCh37 (hg19) VCF-style: chr7-91726297-G-A.
Other names: c.4669G>A, p.Glu1557Lys (NM_001379277.1); c.10000G>A, p.Glu3334Lys (NM_147185.3); short protein forms E3334K, E3342K, E1557K.
Identifiers: ClinVar variation 2920012 (VCV002920012.4), dbSNP rs1209079493, ClinGen allele CA368152759.